The following is an entry in ClinVar:

ClinVar aggregate classification (germline): Uncertain significance (1 of 4 stars; one submission).

Allele frequency attached by ClinVar (database versions not stated): ExAC 0.00001; gnomAD exomes 0.00001.
gnomAD v4.1: 4 of 1,607,584 alleles (0.00025%); highest among the groups gnomAD compares: South Asian, 0.0044%; no homozygotes.

Submission:

Labcorp Genetics (formerly Invitae), Labcorp
Classification: Uncertain significance. Last evaluated: 2023-05-14. Review status: criteria provided, single submitter. Criteria: Invitae Variant Classification Sherloc (09022015). Collection method: clinical testing. Allele origin: germline.
Comment: This variant has not been reported in the literature in individuals affected with SEC61A1-related conditions. In summary, the available evidence is currently insufficient to determine the role of this variant in disease. Therefore, it has been classified as a Variant of Uncertain Significance. Algorithms developed to predict the effect of sequence changes on RNA splicing suggest that this variant is not likely to affect RNA splicing. This variant is present in population databases (rs756274422, gnomAD 0.007%). This sequence change affects codon 389 of the SEC61A1 mRNA. It is a 'silent' change, meaning that it does not change the encoded amino acid sequence of the SEC61A1 protein. It affects a nucleotide within the consensus splice site.

NM_013336.4(SEC61A1):c.1167T>C (p.Asp389=)

Genes: RUVBL1 (RuvB like AAA ATPase 1; minus strand), SEC61A1 (SEC61 translocon subunit alpha 1; plus strand). Cytogenetic location: 3q21.3.
Variant type: single nucleotide variant.
Coding change: c.1167T>C on transcript NM_013336.4 (MANE Select); coding-DNA position 1167, T replaced by C.
Protein change: p.Asp389=; no amino-acid change (aspartic acid 389 retained).
Molecular consequence: synonymous variant. On other transcripts: intron variant (1).
Genome position (GRCh38, 1-based): chr3:128,067,612, T>C. VCF-style: chr3-128067612-T-C. GRCh37 (hg19) VCF-style: chr3-127786455-T-C.
Other names: c.1185T>C, p.Asp395= (NM_001400328.1); c.1008T>C, p.Asp336= (NM_001400329.1); c.940-2392A>G (NM_001319086.1).
Identifiers: ClinVar variation 2843614 (VCV002843614.3), dbSNP rs756274422, ClinGen allele CA2598576.
Genomic context (GRCh38, chr3:128,067,612, plus strand): 5'-GGGCTCCTGTGCATTCTTCTCCAAAACGTGGATTGAGGTCTCAGGTTCCTCTGCCAAAGA[T>C]GTAAGTAGAAGCAAAACTTTCTGGAAGGGTGATGAAAGTGTGACTGGTATAAGGGGTGTG-3'
Protein context (NP_037468.1, residues 379-399): WIEVSGSSAK[Asp389=]VAKQLKEQQM